The following is an entry in ClinVar:

ClinVar aggregate classification (germline): Pathogenic (1 of 4 stars; one submission).

Submission:

GeneDx
Classification: Pathogenic. Last evaluated: 2024-12-06. Review status: criteria provided, single submitter. Criteria: GeneDx Variant Classification Process June 2021. Collection method: clinical testing. Allele origin: germline. Affected: yes.
Comment: Nonsense variant predicted to result in protein truncation or nonsense mediated decay in a gene for which loss of function is a known mechanism of disease; Not observed at significant frequency in large population cohorts (gnomAD); This variant is associated with the following publications: (PMID: 35982159, 33437032, 33057194)

NM_001145358.2(SIN3A):c.2764C>T (p.Arg922Ter)

Gene: SIN3A (SIN3 transcription regulator family member A; minus strand). Cytogenetic location: 15q24.2.
Variant type: single nucleotide variant.
Coding change: c.2764C>T on transcript NM_001145358.2 (MANE Select); coding-DNA position 2764, C replaced by T.
Protein change: p.Arg922Ter; replaces arginine 922 with a stop codon.
Molecular consequence: nonsense.
Genome position (GRCh38, 1-based): chr15:75,392,329, G>A on the plus strand (C>T on the coding strand, the complement: SIN3A is on the minus strand). VCF-style: chr15-75392329-G-A. GRCh37 (hg19) VCF-style: chr15-75684670-G-A.
Other names: c.2764C>T, p.Arg922Ter (NM_015477.3, NM_001145357.2); short protein forms R922*.
Identifiers: ClinVar variation 3901523 (VCV003901523.2).